The following is an entry in ClinVar:

NM_032119.4(ADGRV1):c.17950C>T (p.Gln5984Ter)

Gene: ADGRV1 (adhesion G protein-coupled receptor V1; plus strand). Cytogenetic location: 5q14.3.
Variant type: single nucleotide variant.
Coding change: c.17950C>T on transcript NM_032119.4 (MANE Select); coding-DNA position 17950, C replaced by T.
Protein change: p.Gln5984Ter; replaces glutamine 5984 with a stop codon.
Molecular consequence: nonsense. On other transcripts: non-coding transcript variant (1).
Genome position (GRCh38, 1-based): chr5:90,965,508, C>T. VCF-style: chr5-90965508-C-T. GRCh37 (hg19) VCF-style: chr5-90261325-C-T.
Other names: short protein forms Q5984*.
Identifiers: ClinVar variation 2849630 (VCV002849630.3), dbSNP rs2531504282, ClinGen allele CA360426925.
Genomic context (GRCh38, chr5:90,965,508, plus strand): 5'-CAACTCGCTGAGGAGAGCTGTTCAGCTATGGCTGCTGTCACACATTACCTGTATCTTTGC[C>T]AGTTTAGCTGGATGCTCATTCAGGTTGGTACCTCATTCCCTCTCCCCGCCCCTTTAATCT-3'

ClinVar aggregate classification (germline): Pathogenic (1 of 4 stars; one submission).

Submission:

Labcorp Genetics (formerly Invitae), Labcorp
Classification: Pathogenic. Last evaluated: 2023-03-26. Review status: criteria provided, single submitter. Criteria: Invitae Variant Classification Sherloc (09022015). Collection method: clinical testing. Allele origin: germline.
Comment: For these reasons, this variant has been classified as Pathogenic. This variant has not been reported in the literature in individuals affected with ADGRV1-related conditions. This variant is not present in population databases (gnomAD no frequency). This sequence change creates a premature translational stop signal (p.Gln5984*) in the ADGRV1 gene. It is expected to result in an absent or disrupted protein product. Loss-of-function variants in ADGRV1 are known to be pathogenic (PMID: 19357117, 22135276, 22147658, 26226137, 30718709, 31047384, 32467589).

Literature cited by the submitters: PubMed 19357117; PubMed 22135276; PubMed 22147658; PubMed 26226137; PubMed 30718709; PubMed 31047384; PubMed 32467589.